The following is an entry in ClinVar:

NM_001160148.2(DDHD1):c.319G>A (p.Glu107Lys)

Gene: DDHD1 (DDHD domain containing 1; minus strand). Cytogenetic location: 14q22.1.
Variant type: single nucleotide variant.
Coding change: c.319G>A on transcript NM_001160148.2 (MANE Select); coding-DNA position 319, G replaced by A.
Protein change: p.Glu107Lys; replaces glutamic acid 107 with lysine.
Molecular consequence: missense variant.
Genome position (GRCh38, 1-based): chr14:53,152,780, C>T on the plus strand (G>A on the coding strand, the complement: DDHD1 is on the minus strand). VCF-style: chr14-53152780-C-T. GRCh37 (hg19) VCF-style: chr14-53619498-C-T.
Other names: c.319G>A, p.Glu107Lys (NM_001160147.2, NM_030637.3); c.319G>A (NM_001160148.1); short protein forms E107K.
Identifiers: ClinVar variation 1408667 (VCV001408667.4), dbSNP rs770313412, ClinGen allele CA7191535.
Genomic context (GRCh38, chr14:53,152,780, plus strand): 5'-GGACCAGCGGAGGCTGCTGCGGCGGGTGCAGCGACAAGGAGCTGCCGCCGCCGCCGCTCT[C>T]ACCCTCGCTGTAGTAGCGCAGCGAGGAGCCCGACTCGGCGGAGCTGAAGTCATAGTTCTC-3'
Protein context (NP_001153620.1, residues 97-117): GSSLRYYSEG[Glu107Lys]SGGGGSSLSL

ClinVar aggregate classification (germline): Uncertain significance. Review status: criteria provided, multiple submitters, no conflicts (2 of 4 stars). 2 submissions from 2 submitters: Uncertain significance (2). Last evaluated 2023-11-13.

Conditions:
Inborn genetic diseases. Identifiers: MedGen C0950123, MeSH D030342.
Hereditary spastic paraplegia 28. Also called: Spastic paraplegia 28, autosomal recessive. Identifiers: Orphanet 101008, MedGen C1836295, MONDO:0012256, OMIM 609340.

Allele frequency attached by ClinVar (database versions not stated): gnomAD 0.00001; ExAC 0.00002; TOPMed 0.00001; gnomAD exomes 0.00003.
gnomAD v4.1: 69 of 1,606,452 alleles (0.0043%); highest among the groups gnomAD compares: Non-Finnish European, 0.0057%; no homozygotes.

Submissions (2):

Ambry Genetics
Classification: Uncertain significance for Inborn genetic diseases. Last evaluated: 2023-11-13. Review status: criteria provided, single submitter. Criteria: Ambry Variant Classification Scheme 2023. Collection method: clinical testing. Allele origin: germline.

Labcorp Genetics (formerly Invitae), Labcorp
Classification: Uncertain significance for Hereditary spastic paraplegia 28. Last evaluated: 2022-09-12. Review status: criteria provided, single submitter. Criteria: Invitae Variant Classification Sherloc (09022015). Collection method: clinical testing. Allele origin: germline.
Comment: This sequence change replaces glutamic acid, which is acidic and polar, with lysine, which is basic and polar, at codon 107 of the DDHD1 protein (p.Glu107Lys). This variant is present in population databases (rs770313412, gnomAD 0.006%). This variant has not been reported in the literature in individuals affected with DDHD1-related conditions. ClinVar contains an entry for this variant (Variation ID: 1408667). Algorithms developed to predict the effect of missense changes on protein structure and function (SIFT, PolyPhen-2, Align-GVGD) all suggest that this variant is likely to be tolerated. In summary, the available evidence is currently insufficient to determine the role of this variant in disease. Therefore, it has been classified as a Variant of Uncertain Significance.